The following is an entry in ClinVar:

ClinVar aggregate classification (germline): Likely benign. Review status: criteria provided, multiple submitters, no conflicts (2 of 4 stars). 3 submissions from 3 submitters: Likely benign (2). 1 of the submissions does not count toward it. Last evaluated 2025-05-06.

Conditions:
ATCAY-related disorder. Also called: ATCAY-related condition.

Allele frequency attached by ClinVar (database versions not stated): gnomAD exomes 0.00058 and 0.00031; TOPMed 0.00026; gnomAD 0.00028 and 0.00031; ExAC 0.00029; ESP Exome Variant Server 0.00047.
gnomAD v4.1: 876 of 1,613,844 alleles (0.054%); highest among the groups gnomAD compares: Non-Finnish European, 0.072%; no homozygotes.

Submissions (3):

Mayo Clinic Laboratories, Mayo Clinic
Classification: Likely benign. Last evaluated: 2025-05-06. Review status: criteria provided, single submitter. Criteria: ACMG Guidelines, 2015. Collection method: clinical testing. Allele origin: germline. Observed: 1 variant allele.
Comment: BP4, BP7

Labcorp Genetics (formerly Invitae), Labcorp
Classification: Likely benign. Last evaluated: 2019-12-31. Review status: criteria provided, single submitter. Criteria: Invitae Variant Classification Sherloc (09022015). Collection method: clinical testing. Allele origin: germline.

PreventionGenetics, part of Exact Sciences
Classification: Likely benign for ATCAY-related condition. Last evaluated: 2019-07-24. Review status: no assertion criteria provided. Collection method: clinical testing. Allele origin: germline. Not counted in ClinVar's aggregate classification.
Comment: This variant is classified as likely benign based on ACMG/AMP sequence variant interpretation guidelines (Richards et al. 2015 PMID: 25741868, with internal and published modifications).

NM_033064.5(ATCAY):c.866+10G>A

Gene: ATCAY (ATCAY kinesin light chain interacting caytaxin; plus strand). Cytogenetic location: 19p13.3.
Variant type: single nucleotide variant.
Coding change: c.866+10G>A on transcript NM_033064.5 (MANE Select); 10 bases into the intron after coding-DNA position 866, G replaced by A.
Molecular consequence: intron variant.
Genome position (GRCh38, 1-based): chr19:3,910,899, G>A. VCF-style: chr19-3910899-G-A. GRCh37 (hg19) VCF-style: chr19-3910897-G-A.
Other names: p.?.
Identifiers: ClinVar variation 713233 (VCV000713233.7), dbSNP rs375049279, ClinGen allele CA9087343.